The following is an entry in ClinVar:

ClinVar aggregate classification (germline): Uncertain significance. Review status: criteria provided, multiple submitters, no conflicts (2 of 4 stars). 3 submissions from 3 submitters: Uncertain significance (3). Last evaluated 2026-06-03.

Allele frequency attached by ClinVar (database versions not stated): gnomAD exomes 0.00001; gnomAD 0.00001.
gnomAD v4.1: 26 of 1,614,190 alleles (0.0016%); highest among the groups gnomAD compares: Middle Eastern, 0.33%; no homozygotes.

Submissions (3):

Women's Health and Genetics/Laboratory Corporation of America, LabCorp
Classification: Uncertain significance. Last evaluated: 2026-06-03. Review status: criteria provided, single submitter. Criteria: LabCorp Variant Classification Summary - May 2015. Collection method: clinical testing. Allele origin: germline.
Comment: Variant summary: AFG3L2 c.344G>A (p.Gly115Asp) results in a non-conservative amino acid change in the encoded protein sequence. Algorithms developed to predict the effect of missense changes on protein structure and function all suggest that this variant is likely to be disruptive. The variant was absent in 251474 control chromosomes. The available data on variant occurrences in the general population are insufficient to allow any conclusion about variant significance. To our knowledge, no occurrence of c.344G>A in individuals affected with AFG3L2-related conditions and no experimental evidence demonstrating its impact on protein function have been reported. ClinVar contains an entry for this variant (Variation ID: 392975). Based on the evidence outlined above, the variant was classified as uncertain significance.

Labcorp Genetics (formerly Invitae), Labcorp
Classification: Uncertain significance. Last evaluated: 2022-09-23. Review status: criteria provided, single submitter. Criteria: Invitae Variant Classification Sherloc (09022015). Collection method: clinical testing. Allele origin: germline.
Comment: Advanced modeling of protein sequence and biophysical properties (such as structural, functional, and spatial information, amino acid conservation, physicochemical variation, residue mobility, and thermodynamic stability) performed at Invitae indicates that this missense variant is not expected to disrupt AFG3L2 protein function. In summary, the available evidence is currently insufficient to determine the role of this variant in disease. Therefore, it has been classified as a Variant of Uncertain Significance. ClinVar contains an entry for this variant (Variation ID: 392975). This variant has not been reported in the literature in individuals affected with AFG3L2-related conditions. This variant is not present in population databases (gnomAD no frequency). This sequence change replaces glycine, which is neutral and non-polar, with aspartic acid, which is acidic and polar, at codon 115 of the AFG3L2 protein (p.Gly115Asp).

GeneDx
Classification: Uncertain significance. Last evaluated: 2020-01-13. Review status: criteria provided, single submitter. Criteria: GeneDx Variant Classification Process June 2021. Collection method: clinical testing. Allele origin: germline. Affected: yes.
Comment: Has not been previously published as pathogenic or benign to our knowledge; In silico analysis, which includes protein predictors and evolutionary conservation, supports a deleterious effect

NM_006796.3(AFG3L2):c.344G>A (p.Gly115Asp)

Gene: AFG3L2 (AFG3 like matrix AAA peptidase subunit 2; minus strand). Cytogenetic location: 18p11.21.
Variant type: single nucleotide variant.
Coding change: c.344G>A on transcript NM_006796.3 (MANE Select); coding-DNA position 344, G replaced by A.
Protein change: p.Gly115Asp; replaces glycine 115 with aspartic acid.
Molecular consequence: missense variant.
Genome position (GRCh38, 1-based): chr18:12,367,331, C>T on the plus strand (G>A on the coding strand, the complement: AFG3L2 is on the minus strand). VCF-style: chr18-12367331-C-T. GRCh37 (hg19) VCF-style: chr18-12367330-C-T.
Other names: short protein forms G115D.
Identifiers: ClinVar variation 392975 (VCV000392975.10), dbSNP rs865891494, ClinGen allele CA16607553.